The following is an entry in ClinVar:

NM_000492.4(CFTR):c.729G>A (p.Met243Ile)

Gene: CFTR (CF transmembrane conductance regulator; plus strand). Cytogenetic location: 7q31.2.
Variant type: single nucleotide variant.
Coding change: c.729G>A on transcript NM_000492.4 (MANE Select); coding-DNA position 729, G replaced by A.
Protein change: p.Met243Ile; replaces methionine 243 with isoleucine.
Molecular consequence: missense variant.
Genome position (GRCh38, 1-based): chr7:117,535,397, G>A. VCF-style: chr7-117535397-G-A. GRCh37 (hg19) VCF-style: chr7-117175451-G-A.
Other names: short protein forms M243I.
Identifiers: ClinVar variation 2562511 (VCV002562511.3), dbSNP rs2485017535, ClinGen allele CA368977172.

ClinVar aggregate classification (germline): Uncertain significance (1 of 4 stars; one submission).

Conditions:
Cystic fibrosis (CF). Also called: MUCOVISCIDOSIS. Identifiers: Orphanet 586, MedGen C0010674, MONDO:0009061, OMIM 219700. Disease mechanism: loss of function.

Submission:

Ambry Genetics
Classification: Uncertain significance for Cystic fibrosis. Last evaluated: 2025-10-11. Review status: criteria provided, single submitter. Criteria: Ambry Variant Classification Scheme 2023. Collection method: clinical testing. Allele origin: germline.
Comment: The p.M243I variant (also known as c.729G>A), located in coding exon 6 of the CFTR gene, results from a G to A substitution at nucleotide position 729. The methionine at codon 243 is replaced by isoleucine, an amino acid with highly similar properties. This amino acid position is well conserved in available vertebrate species. In addition, the in silico prediction for this alteration is inconclusive. Since supporting evidence is limited at this time, the clinical significance of this alteration remains unclear.